The following is an entry in ClinVar:

NM_001379286.1(ZNF423):c.2769G>A (p.Glu923=)

Gene: ZNF423 (zinc finger protein 423; minus strand). Cytogenetic location: 16q12.1.
Variant type: single nucleotide variant.
Coding change: c.2769G>A on transcript NM_001379286.1 (MANE Select); coding-DNA position 2769, G replaced by A.
Protein change: p.Glu923=; no amino-acid change (glutamic acid 923 retained).
Molecular consequence: synonymous variant.
Genome position (GRCh38, 1-based): chr16:49,636,407, C>T on the plus strand (G>A on the coding strand, the complement: ZNF423 is on the minus strand). VCF-style: chr16-49636407-C-T. GRCh37 (hg19) VCF-style: chr16-49670318-C-T.
Other names: c.2565G>A, p.Glu855= (NM_001271620.2); c.2394G>A, p.Glu798= (NM_001330533.2); c.2745G>A, p.Glu915= (NM_015069.5); c.2745G>A (NM_015069.4).
Identifiers: ClinVar variation 1649895 (VCV001649895.10), dbSNP rs369901240, ClinGen allele CA281211356.
Genomic context (GRCh38, chr16:49,636,407, plus strand): 5'-ACAAACGTTGCACTTGTGACTGCCCTTGATAAACTCAGCCTTCTTGCGTGAGCCATCATC[C>T]TCGCCCGGCCGGATATTGTGGTCCCGCAGCCGGTGATTCTGCAGCAGCACCTCCATGGTG-3'
Protein context (NP_001366215.1, residues 913-933): RLRDHNIRPG[Glu923=]DDGSRKKAEF

ClinVar aggregate classification (germline): Likely benign. Review status: criteria provided, single submitter (1 of 4 stars). 2 submissions from 2 submitters: Likely benign (1). 1 of the submissions does not count toward it. Last evaluated 2023-04-09.

Conditions:
ZNF423-related disorder. Also called: ZNF423-related condition.
Nephronophthisis 14 (NPHP14). Identifiers: Orphanet 2318, MedGen C3539071, MONDO:0013916, OMIM 614844.

Allele frequency attached by ClinVar (database versions not stated): gnomAD exomes below 0.00001.
gnomAD v4.1: 4 of 1,613,328 alleles (0.00025%); highest among the groups gnomAD compares: Non-Finnish European, 0.00025%; no homozygotes.

Submissions (2):

Labcorp Genetics (formerly Invitae), Labcorp
Classification: Likely benign for Nephronophthisis 14. Last evaluated: 2023-04-09. Review status: criteria provided, single submitter. Criteria: Invitae Variant Classification Sherloc (09022015). Collection method: clinical testing. Allele origin: germline.

PreventionGenetics, part of Exact Sciences
Classification: Likely benign for ZNF423-related condition. Last evaluated: 2020-10-05. Review status: no assertion criteria provided. Collection method: clinical testing. Allele origin: germline. Not counted in ClinVar's aggregate classification.
Comment: This variant is classified as likely benign based on ACMG/AMP sequence variant interpretation guidelines (Richards et al. 2015 PMID: 25741868, with internal and published modifications).